The following is an entry in ClinVar:

ClinVar aggregate classification (germline): Pathogenic (1 of 4 stars; one submission).

Conditions:
Ehlers-Danlos syndrome, classic type, 1 (EDSCL1). Also called: EHLERS-DANLOS SYNDROME, GRAVIS TYPE; EHLERS-DANLOS SYNDROME, SEVERE CLASSIC TYPE; Ehlers-Danlos syndrome, type 1; Ehlers-Danlos Syndrome, Classic Type, COL5A1-Related; EDS I. Identifiers: MedGen C0268335, MONDO:0019567, OMIM 130000.
Osteogenesis imperfecta type I (OI1). Also called: OI, TYPE I; OSTEOGENESIS IMPERFECTA TARDA; OSTEOGENESIS IMPERFECTA WITH BLUE SCLERAE; Osteogenesis imperfecta type 1; Lobstein's Disease; Lobstein disease. Identifiers: Orphanet 216796, Orphanet 666, MedGen C0023931, MONDO:0008146, OMIM 166200. Disease mechanism: loss of function.

Submission:

Labcorp Genetics (formerly Invitae), Labcorp
Classification: Pathogenic for Osteogenesis imperfecta type I; Ehlers-Danlos syndrome, classic type, 1. Last evaluated: 2024-08-29. Review status: criteria provided, single submitter. Criteria: Invitae Variant Classification Sherloc (09022015). Collection method: clinical testing. Allele origin: germline.
Comment: This sequence change replaces glycine, which is neutral and non-polar, with valine, which is neutral and non-polar, at codon 1036 of the COL1A2 protein (p.Gly1036Val). This variant is not present in population databases (gnomAD no frequency). This missense change has been observed in individual(s) with osteogenesis imperfecta (PMID: 26402641). Experimental studies and prediction algorithms are not available or were not evaluated, and the functional significance of this variant is currently unknown. This variant disrupts the triple helix domain of COL1A2. Glycine residues within the Gly-Xaa-Yaa repeats of the triple helix domain are required for the structure and stability of fibrillar collagens (PMID: 7695699, 8218237, 19344236). In COL1A2, variants affecting these glycine residues are significantly enriched in individuals with disease (PMID: 9016532, 17078022) compared to the general population (ExAC). This variant disrupts the p.Gly1036 amino acid residue in COL1A2. Other variant(s) that disrupt this residue have been observed in individuals with COL1A2-related conditions (PMID: 17078022, 30715774), which suggests that this may be a clinically significant amino acid residue. For these reasons, this variant has been classified as Pathogenic.

Literature cited by the submitters: PubMed 26402641; PubMed 7695699; PubMed 8218237; PubMed 19344236; PubMed 9016532; PubMed 17078022; PubMed 30715774.

NM_000089.4(COL1A2):c.3107G>T (p.Gly1036Val)

Gene: COL1A2 (collagen type I alpha 2 chain; plus strand). Cytogenetic location: 7q21.3.
Variant type: single nucleotide variant.
Coding change: c.3107G>T on transcript NM_000089.4 (MANE Select); coding-DNA position 3107, G replaced by T.
Protein change: p.Gly1036Val; replaces glycine 1036 with valine.
Molecular consequence: missense variant.
Genome position (GRCh38, 1-based): chr7:94,427,009, G>T. VCF-style: chr7-94427009-G-T. GRCh37 (hg19) VCF-style: chr7-94056321-G-T.
Other names: short protein forms G1036V.
Identifiers: ClinVar variation 3759121 (VCV003759121.2).
Genomic context (GRCh38, chr7:94,427,009, plus strand): 5'-AAAAATATGTCTCTTGACATGTGCTCTGAAAGTGTGATTTTCCTCTTCTGTCTTTAAAGG[G>T]TCACCATGGTGATCAAGGTGCTCCTGGCTCCGTGGGTCCTGCTGGTCCTAGGGTAGGTGG-3'
Protein context (NP_000080.2, residues 1026-1046): NGLQGLPGIA[Gly1036Val]HHGDQGAPGS